The following is an entry in ClinVar:

ClinVar aggregate classification (germline): Uncertain significance. Review status: criteria provided, multiple submitters, no conflicts (2 of 4 stars). 5 submissions from 5 submitters: Uncertain significance (5). Last evaluated 2026-04-27.

Conditions:
Susceptibility to mononeuropathy of the median nerve, mild. Also called: CARPAL TUNNEL SYNDROME, SUSCEPTIBILITY TO. Identifiers: MedGen C3150596, MONDO:0013237, OMIM 613353.
Charcot-Marie-Tooth disease type 4C (CMT4C). Also called: CHARCOT-MARIE-TOOTH DISEASE, DEMYELINATING, TYPE 4C; CHARCOT-MARIE-TOOTH DISEASE, DEMYELINATING, AUTOSOMAL RECESSIVE, TYPE 4C; SH3TC2-Related Hereditary Motor and Sensory Neuropathy; Charcot-Marie-Tooth Neuropathy Type 4C (CMT4C); CMT 4C. Identifiers: Orphanet 99949, MedGen C1866636, MONDO:0011113, OMIM 601596.
SH3TC2-related disorder. Also called: SH3TC2-related condition; SH3TC2-related disorders. Identifiers: MedGen CN239303.
Charcot-Marie-Tooth disease type 4. Also called: Charcot-Marie-Tooth, Type 4; Charcot-Marie-Tooth disease, type IV. Identifiers: Orphanet 64749, MedGen C4082197, MONDO:0018995.

Allele frequency attached by ClinVar (database versions not stated): ExAC 0.00001; gnomAD 0.00001; gnomAD exomes 0.00001 and 0.00002; TOPMed 0.00001.
gnomAD v4.1: 30 of 1,614,042 alleles (0.0019%); highest among the groups gnomAD compares: Non-Finnish European, 0.0019%; no homozygotes.

Submissions (5):

PreventionGenetics, part of Exact Sciences
Classification: Uncertain significance for SH3TC2-related condition. Last evaluated: 2026-04-27. Review status: criteria provided, single submitter. Criteria: ACMG Guidelines, 2015. Collection method: clinical testing. Allele origin: germline.
Comment: The SH3TC2 c.224G>A variant is predicted to result in the amino acid substitution p.Arg75Gln. This variant has been reported to occur de novo in an individual with schizophrenia (Table S1 in Itai et al. 2023. PubMed ID: 36863698). This variant is reported in 0.011% of alleles in individuals of East Asian descent in gnomAD. At this time, the clinical significance of this variant is uncertain due to the absence of conclusive functional and genetic evidence.

Labcorp Genetics (formerly Invitae), Labcorp
Classification: Uncertain significance for Charcot-Marie-Tooth disease type 4. Last evaluated: 2025-01-13. Review status: criteria provided, single submitter. Criteria: Invitae Variant Classification Sherloc (09022015). Collection method: clinical testing. Allele origin: germline.
Comment: This sequence change replaces arginine, which is basic and polar, with glutamine, which is neutral and polar, at codon 75 of the SH3TC2 protein (p.Arg75Gln). This variant is present in population databases (rs749772988, gnomAD 0.01%). This variant has not been reported in the literature in individuals affected with SH3TC2-related conditions. ClinVar contains an entry for this variant (Variation ID: 650536). Invitae Evidence Modeling of protein sequence and biophysical properties (such as structural, functional, and spatial information, amino acid conservation, physicochemical variation, residue mobility, and thermodynamic stability) indicates that this missense variant is not expected to disrupt SH3TC2 protein function with a negative predictive value of 95%. In summary, the available evidence is currently insufficient to determine the role of this variant in disease. Therefore, it has been classified as a Variant of Uncertain Significance.

GeneDx
Classification: Uncertain significance. Last evaluated: 2023-12-08. Review status: criteria provided, single submitter. Criteria: GeneDx Variant Classification Process June 2021. Collection method: clinical testing. Allele origin: germline. Affected: yes.
Comment: Not observed at significant frequency in large population cohorts (gnomAD); In silico analysis supports that this missense variant has a deleterious effect on protein structure/function; This variant is associated with the following publications: (PMID: 36863698, 32873781)

Fulgent Genetics
Classification: Uncertain significance for Charcot-Marie-Tooth disease type 4C; Susceptibility to mononeuropathy of the median nerve, mild. Last evaluated: 2021-08-16. Review status: criteria provided, single submitter. Criteria: ACMG Guidelines, 2015. Collection method: clinical testing. Allele origin: unknown.

Genetics and Molecular Pathology, SA Pathology
Classification: Uncertain significance for Charcot-Marie-Tooth disease type 4C. Last evaluated: 2020-10-20. Review status: criteria provided, single submitter. Criteria: ACMG Guidelines, 2015. Collection method: clinical testing. Allele origin: germline. Affected: yes.
Comment: The SH3TC2 c.224G>A missense variant is classified as a VARIANT OF UNCERTAIN SIGNIFICANCE (PM2, PP3) This variant is a variant is a single nucleotide change from a guanine to an adenine at position 224 which is predicted to change the arginine at position 75 in the protein to glutamine. The variant is in exon 3 of the SH3TC2 gene. This variant has been previously reported in a patient with CMT1 who also carried another heterozygous variant in the same gene (PMID:30373780). The variant has been reported in dbSNP (rs649772988) but is rare in population databases (gnomAD 2/251424, 0 homozygote) (PM2). This variant has been reported as VUS in ClinVar (Variation ID: 650536) and damaging in HGMD (Accession# CM1815868). Computational predicitons support a deleterious effect on the gene or gene products (PP3).

Literature cited by the submitters: PubMed 30373780 (cited by Genetics and Molecular Pathology, SA Pathology).

NM_024577.4(SH3TC2):c.224G>A (p.Arg75Gln)

Gene: SH3TC2 (SH3 domain and tetratricopeptide repeats 2; minus strand). Cytogenetic location: 5q32.
Variant type: single nucleotide variant.
Coding change: c.224G>A on transcript NM_024577.4 (MANE Select); coding-DNA position 224, G replaced by A.
Protein change: p.Arg75Gln; replaces arginine 75 with glutamine.
Molecular consequence: missense variant.
Genome position (GRCh38, 1-based): chr5:149,047,917, C>T on the plus strand (G>A on the coding strand, the complement: SH3TC2 is on the minus strand). VCF-style: chr5-149047917-C-T. GRCh37 (hg19) VCF-style: chr5-148427480-C-T.
Other names: short protein forms R75Q.
Identifiers: ClinVar variation 650536 (VCV000650536.11), dbSNP rs749772988, ClinGen allele CA3499594.